The following is an entry in ClinVar:

ClinVar aggregate classification (germline): Uncertain significance (1 of 4 stars; one submission).

Submission:

Labcorp Genetics (formerly Invitae), Labcorp
Classification: Uncertain significance. Last evaluated: 2021-05-29. Review status: criteria provided, single submitter. Criteria: Invitae Variant Classification Sherloc (09022015). Collection method: clinical testing. Allele origin: germline.
Comment: In summary, the available evidence is currently insufficient to determine the role of this variant in disease. Therefore, it has been classified as a Variant of Uncertain Significance. Algorithms developed to predict the effect of missense changes on protein structure and function (SIFT, PolyPhen-2, Align-GVGD) all suggest that this variant is likely to be disruptive, but these predictions have not been confirmed by published functional studies and their clinical significance is uncertain. This variant has not been reported in the literature in individuals with ERBIN-related conditions. This variant is not present in population databases (ExAC no frequency). This sequence change replaces isoleucine with threonine at codon 242 of the ERBIN protein (p.Ile242Thr). The isoleucine residue is highly conserved and there is a moderate physicochemical difference between isoleucine and threonine.

NM_001253697.2(ERBIN):c.725T>C (p.Ile242Thr)

Gene: ERBIN (erbb2 interacting protein; plus strand). Cytogenetic location: 5q12.3.
Variant type: single nucleotide variant.
Coding change: c.725T>C on transcript NM_001253697.2 (MANE Select); coding-DNA position 725, T replaced by C.
Protein change: p.Ile242Thr; replaces isoleucine 242 with threonine.
Molecular consequence: missense variant.
Genome position (GRCh38, 1-based): chr5:66,024,358, T>C. VCF-style: chr5-66024358-T-C. GRCh37 (hg19) VCF-style: chr5-65320186-T-C.
Other names: c.725T>C, p.Ile242Thr (NM_001006600.3, NM_001253698.2, NM_001253699.2 and 2 more transcripts); short protein forms I242T.
Identifiers: ClinVar variation 1357149 (VCV001357149.8), dbSNP rs939859783, ClinGen allele CA120406770.